The following is an entry in ClinVar:

ClinVar aggregate classification (germline): Likely benign. Review status: criteria provided, multiple submitters, no conflicts (2 of 4 stars). 3 submissions from 3 submitters: Likely benign (3). Last evaluated 2025-05-12.

Conditions:
Cardiomyopathy (CMYO). Also called: Cardiomyopathies. Identifiers: Orphanet 167848, MedGen C0878544, MONDO:0004994, HP:0001638. Inheritance: Various modes of inheritance.
Hypertrophic cardiomyopathy. Also called: HYPERTROPHIC MYOCARDIOPATHY. Identifiers: Orphanet 217569, MedGen C0007194, MeSH D002312, MONDO:0005045, HP:0001639.

Submissions (3):

Labcorp Genetics (formerly Invitae), Labcorp
Classification: Likely benign for Hypertrophic cardiomyopathy. Last evaluated: 2025-05-12. Review status: criteria provided, single submitter. Criteria: Invitae Variant Classification Sherloc (09022015). Collection method: clinical testing. Allele origin: germline.

All of Us Research Program, National Institutes of Health
Classification: Likely benign for Hypertrophic cardiomyopathy. Last evaluated: 2023-03-04. Review status: criteria provided, single submitter. Criteria: ACMG Guidelines, 2015. Collection method: clinical testing. Allele origin: germline. Inheritance: Autosomal dominant inheritance. Observed: 1 variant allele, 1 heterozygote.
Comment: This study involves interpretation of variants in research participants for the purpose of population health screening. Participant phenotype was not available at the time of variant classification. Additional details can be found in publication PMID: 35346344, PMCID: PMC8962531

Color Diagnostics, LLC DBA Color Health
Classification: Likely benign for Cardiomyopathy. Last evaluated: 2019-03-24. Review status: criteria provided, single submitter. Criteria: ACMG Guidelines, 2015. Collection method: clinical testing. Allele origin: germline.

NM_000256.3(MYBPC3):c.2901C>T (p.Ile967=)

Gene: MYBPC3 (myosin binding protein C3; minus strand). Cytogenetic location: 11p11.2.
Variant type: single nucleotide variant.
Coding change: c.2901C>T on transcript NM_000256.3 (MANE Select); coding-DNA position 2901, C replaced by T.
Protein change: p.Ile967=; no amino-acid change (isoleucine 967 retained).
Molecular consequence: synonymous variant.
Genome position (GRCh38, 1-based): chr11:47,335,046, G>A on the plus strand (C>T on the coding strand, the complement: MYBPC3 is on the minus strand). VCF-style: chr11-47335046-G-A. GRCh37 (hg19) VCF-style: chr11-47356597-G-A.
Identifiers: ClinVar variation 921284 (VCV000921284.5), dbSNP rs2095880876, ClinGen allele CA474212770.